The following is an entry in ClinVar:

NM_176824.3(BBS7):c.423C>A (p.Tyr141Ter)

Gene: BBS7 (Bardet-Biedl syndrome 7; minus strand). Cytogenetic location: 4q27.
Variant type: single nucleotide variant.
Coding change: c.423C>A on transcript NM_176824.3 (MANE Select); coding-DNA position 423, C replaced by A.
Protein change: p.Tyr141Ter; replaces tyrosine 141 with a stop codon.
Molecular consequence: nonsense.
Genome position (GRCh38, 1-based): chr4:121,859,097, G>T on the plus strand (C>A on the coding strand, the complement: BBS7 is on the minus strand). VCF-style: chr4-121859097-G-T. GRCh37 (hg19) VCF-style: chr4-122780252-G-T.
Other names: c.423C>A, p.Tyr141Ter (NM_018190.4); short protein forms Y141*.
Identifiers: ClinVar variation 2794762 (VCV002794762.3), dbSNP rs2476548653, ClinGen allele CA358043166.

ClinVar aggregate classification (germline): Pathogenic (1 of 4 stars; one submission).

Conditions:
Bardet-Biedl syndrome (BBS). Identifiers: Orphanet 110, MedGen C0752166, MONDO:0015229.

Allele frequency attached by ClinVar (database versions not stated): gnomAD exomes below 0.00001.
gnomAD v4.1: 3 of 1,613,728 alleles (0.00019%); highest among the groups gnomAD compares: Non-Finnish European, 0.00025%; no homozygotes.

Submission:

Labcorp Genetics (formerly Invitae), Labcorp
Classification: Pathogenic for Bardet-Biedl syndrome. Last evaluated: 2023-11-10. Review status: criteria provided, single submitter. Criteria: Invitae Variant Classification Sherloc (09022015). Collection method: clinical testing. Allele origin: germline.
Comment: This sequence change creates a premature translational stop signal (p.Tyr141*) in the BBS7 gene. It is expected to result in an absent or disrupted protein product. Loss-of-function variants in BBS7 are known to be pathogenic (PMID: 12567324, 19402160, 21209035, 31196119). This variant is not present in population databases (gnomAD no frequency). This variant has not been reported in the literature in individuals affected with BBS7-related conditions. Algorithms developed to predict the effect of sequence changes on RNA splicing suggest that this variant may disrupt the consensus splice site. For these reasons, this variant has been classified as Pathogenic.

Literature cited by the submitters: PubMed 12567324; PubMed 19402160; PubMed 21209035; PubMed 31196119.